The following is an entry in ClinVar:

ClinVar aggregate classification (germline): Benign (0 of 4 stars; one submission).

Conditions:
KALRN-related disorder. Also called: KALRN-related condition.

Allele frequency attached by ClinVar (database versions not stated): gnomAD 0.00042; TOPMed 0.00048; ExAC 0.00097; 1000 Genomes Project 30x 0.00265; 1000 Genomes Project 0.00280.
gnomAD v4.1: 511 of 1,614,072 alleles (0.032%); highest among the groups gnomAD compares: East Asian, 0.91%; 6 homozygotes.

Submission:

PreventionGenetics, part of Exact Sciences
Classification: Benign for KALRN-related condition. Last evaluated: 2019-06-19. Review status: no assertion criteria provided. Collection method: clinical testing. Allele origin: germline.
Comment: This variant is classified as benign based on ACMG/AMP sequence variant interpretation guidelines (Richards et al. 2015 PMID: 25741868, with internal and published modifications).

NM_001388419.1(KALRN):c.8918A>G (p.Asn2973Ser)

Gene: KALRN (kalirin RhoGEF kinase; plus strand). Cytogenetic location: 3q21.2.
Variant type: single nucleotide variant.
Coding change: c.8918A>G on transcript NM_001388419.1 (MANE Select); coding-DNA position 8918, A replaced by G.
Protein change: p.Asn2973Ser; replaces asparagine 2973 with serine.
Molecular consequence: missense variant.
Genome position (GRCh38, 1-based): chr3:124,719,427, A>G. VCF-style: chr3-124719427-A-G. GRCh37 (hg19) VCF-style: chr3-124438274-A-G.
Other names: c.8918A>G, p.Asn2973Ser (NM_001024660.5); c.3824A>G, p.Asn1275Ser (NM_001322993.2); c.3827A>G, p.Asn1276Ser (NM_007064.5); short protein forms N1275S, N1276S, N2973S.
Identifiers: ClinVar variation 3033114 (VCV003033114.2), dbSNP rs16835896, ClinGen allele CA2581472.